The following is an entry in ClinVar:

ClinVar aggregate classification (germline): Conflicting classifications of pathogenicity. Review status: criteria provided, conflicting classifications (1 of 4 stars). 3 submissions from 3 submitters: Uncertain significance (2); Likely benign (1). Last evaluated 2025-04-24.

Conditions:
Pyruvate carboxylase deficiency. Also called: ATAXIA WITH LACTIC ACIDOSIS II; Pyruvate Carboxylase Deficiency Disease; LEIGH NECROTIZING ENCEPHALOPATHY DUE TO PYRUVATE CARBOXYLASE DEFICIENCY; LEIGH SYNDROME DUE TO PYRUVATE CARBOXYLASE DEFICIENCY; PC DEFICIENCY. Identifiers: Orphanet 3008, MedGen C0034341, MONDO:0009949, OMIM 266150.
Inborn genetic diseases. Identifiers: MedGen C0950123, MeSH D030342.

Allele frequency attached by ClinVar (database versions not stated): TOPMed 0.00020; ESP Exome Variant Server 0.00023.
gnomAD v4.1: 44 of 1,614,002 alleles (0.0027%); highest among the groups gnomAD compares: African/African-American, 0.057%; no homozygotes.

Submissions (3):

Ambry Genetics
Classification: Uncertain significance for Inborn genetic diseases. Last evaluated: 2025-04-24. Review status: criteria provided, single submitter. Criteria: Ambry Variant Classification Scheme 2023. Collection method: clinical testing. Allele origin: germline.

GeneDx
Classification: Uncertain significance. Last evaluated: 2025-03-07. Review status: criteria provided, single submitter. Criteria: GeneDx Variant Classification Process June 2021. Collection method: clinical testing. Allele origin: germline. Affected: yes.
Comment: In silico analysis indicates that this missense variant does not alter protein structure/function; Has not been previously published as pathogenic or benign to our knowledge

Labcorp Genetics (formerly Invitae), Labcorp
Classification: Likely benign for Pyruvate carboxylase deficiency. Last evaluated: 2024-02-25. Review status: criteria provided, single submitter. Criteria: Invitae Variant Classification Sherloc (09022015). Collection method: clinical testing. Allele origin: germline.

NM_001040716.2(PC):c.3462G>C (p.Glu1154Asp)

Gene: PC (pyruvate carboxylase; minus strand). Cytogenetic location: 11q13.2.
Variant type: single nucleotide variant.
Coding change: c.3462G>C on transcript NM_001040716.2 (MANE Select); coding-DNA position 3462, G replaced by C.
Protein change: p.Glu1154Asp; replaces glutamic acid 1154 with aspartic acid.
Molecular consequence: missense variant.
Genome position (GRCh38, 1-based): chr11:66,848,974, C>G on the plus strand (G>C on the coding strand, the complement: PC is on the minus strand). VCF-style: chr11-66848974-C-G. GRCh37 (hg19) VCF-style: chr11-66616445-C-G.
Other names: c.3462G>C, p.Glu1154Asp (NM_000920.4, NM_022172.3); short protein forms E1154D.
Identifiers: ClinVar variation 570839 (VCV000570839.12), dbSNP rs373287823, ClinGen allele CA6130780.